The following is an entry in ClinVar:

ClinVar aggregate classification (germline): Uncertain significance. Review status: criteria provided, multiple submitters, no conflicts (2 of 4 stars). 8 submissions from 8 submitters: Uncertain significance (8). Last evaluated 2025-04-15.

Conditions:
Congenital multicore myopathy with external ophthalmoplegia (CMYO1B). Also called: MULTIMINICORE DISEASE WITH EXTERNAL OPHTHALMOPLEGIA; Minicore myopathy with external ophthalmoplegia; MULTICORE MYOPATHY; Congenital myopathy 1B, autosomal recessive; Minicore myopathy. Identifiers: Orphanet 598, Orphanet 98905, MedGen C1850674, MONDO:0009712, OMIM 255320, HP:0003789.
Central core myopathy (CMYO1A). Also called: CONGENITAL MYOPATHY 1A, AUTOSOMAL DOMINANT, WITH SUSCEPTIBILITY TO MALIGNANT HYPERTHERMIA; Central core disease; Myopathy, central fibrillar. Identifiers: Orphanet 597, MedGen C5830701, MONDO:0007294, OMIM 117000.
Congenital myopathy with fiber type disproportion. Also called: Congenital fiber-type disproportion myopathy; Congenital fiber-type disproportion. Identifiers: Orphanet 2020, MedGen C0546264, MONDO:0009711. Inheritance: all.
King Denborough syndrome (KDS). Identifiers: MedGen C1840365, MONDO:0020485, OMIM 619542.
Malignant hyperthermia, susceptibility to, 1 (MHS1). Also called: RYR1-Related Malignant Hyperthermia Susceptibility; Anesthesia related hyperthermia; Malignant hyperpyrexia; Fulminating hyperpyrexia; Pharmacogenic myopathy; Malignant hyperthermia suceptibility 1. Identifiers: Orphanet 423, MedGen C2930980, MONDO:0007783, OMIM 145600.
RYR1-related disorder. Also called: RYR1-related condition; RYR1-related disorders. Identifiers: MedGen CN239331.

Allele frequency attached by ClinVar (database versions not stated): TOPMed 0.00003; gnomAD 0.00005 and 0.00006; ExAC 0.00006; gnomAD exomes 0.00007.
gnomAD v4.1: 44 of 1,614,026 alleles (0.0027%); highest among the groups gnomAD compares: Admixed American, 0.015%; no homozygotes.

Submissions (8):

Revvity Omics, Revvity
Classification: Uncertain significance. Last evaluated: 2025-04-15. Review status: criteria provided, single submitter. Criteria: ACMG Guidelines, 2015. Collection method: clinical testing. Allele origin: germline.

All of Us Research Program, National Institutes of Health
Classification: Uncertain significance for Malignant hyperthermia, susceptibility to, 1. Last evaluated: 2024-08-06. Review status: criteria provided, single submitter. Criteria: ACMG Guidelines, 2015. Collection method: clinical testing. Allele origin: germline. Inheritance: Autosomal dominant inheritance. Observed: 16 variant alleles, 16 heterozygotes.
Comment: This missense variant replaces aspartic acid with glutamic acid at codon 4967 of the RYR1 protein. Computational prediction is inconclusive regarding the impact of this variant on protein structure and function (internally defined REVEL score threshold 0.5 < inconclusive < 0.7, PMID: 27666373). To our knowledge, functional studies have not been reported for this variant. This variant has been reported in an individual affected with limb-girdle muscular dystrophy (PMID: 25214167). This variant has been identified in 22/282814 chromosomes in the general population by the Genome Aggregation Database (gnomAD). The available evidence is insufficient to determine the role of this variant in disease conclusively. Therefore, this variant is classified as a Variant of Uncertain Significance.

This study involves interpretation of variants in research participants for the purpose of population health screening. Participant phenotype was not available at the time of variant classification. Additional details can be found in publication PMID: 35346344, PMCID: PMC8962531

Color Diagnostics, LLC DBA Color Health
Classification: Uncertain significance for Malignant hyperthermia, susceptibility to, 1. Last evaluated: 2024-04-03. Review status: criteria provided, single submitter. Criteria: ACMG Guidelines, 2015. Collection method: clinical testing. Allele origin: germline.
Comment: This missense variant replaces aspartic acid with glutamic acid at codon 4967 of the RYR1 protein. Computational prediction is inconclusive regarding the impact of this variant on protein structure and function. To our knowledge, functional studies have not been reported for this variant. This variant has been reported in an individual affected with limb-girdle muscular dystrophy (PMID: 25214167). This variant has been identified in 22/282814 chromosomes in the general population by the Genome Aggregation Database (gnomAD). The available evidence is insufficient to determine the role of this variant in disease conclusively. Therefore, this variant is classified as a Variant of Uncertain Significance.

Blueprint Genetics
Classification: Uncertain significance. Last evaluated: 2023-05-04. Review status: criteria provided, single submitter. Criteria: ACMG Guidelines, 2015. Collection method: clinical testing. Allele origin: germline.

Labcorp Genetics (formerly Invitae), Labcorp
Classification: Uncertain significance for RYR1-related disorder. Last evaluated: 2022-06-20. Review status: criteria provided, single submitter. Criteria: Invitae Variant Classification Sherloc (09022015). Collection method: clinical testing. Allele origin: germline.
Comment: This sequence change replaces aspartic acid, which is acidic and polar, with glutamic acid, which is acidic and polar, at codon 4967 of the RYR1 protein (p.Asp4967Glu). This variant is present in population databases (rs201712715, gnomAD 0.02%). This missense change has been observed in individual(s) with limb-girdle muscular dystrophy (PMID: 25214167). ClinVar contains an entry for this variant (Variation ID: 224406). Advanced modeling of protein sequence and biophysical properties (such as structural, functional, and spatial information, amino acid conservation, physicochemical variation, residue mobility, and thermodynamic stability) performed at Invitae indicates that this missense variant is not expected to disrupt RYR1 protein function. Algorithms developed to predict the effect of sequence changes on RNA splicing suggest that this variant may create or strengthen a splice site. In summary, the available evidence is currently insufficient to determine the role of this variant in disease. Therefore, it has been classified as a Variant of Uncertain Significance.

Fulgent Genetics
Classification: Uncertain significance for Central core myopathy; Malignant hyperthermia, susceptibility to, 1; Congenital myopathy 4A, autosomal dominant; Congenital multicore myopathy with external ophthalmoplegia; King Denborough syndrome. Last evaluated: 2021-08-19. Review status: criteria provided, single submitter. Criteria: ACMG Guidelines, 2015. Collection method: clinical testing. Allele origin: unknown.

GeneDx
Classification: Uncertain significance. Last evaluated: 2021-04-19. Review status: criteria provided, single submitter. Criteria: GeneDx Variant Classification Process June 2021. Collection method: clinical testing. Allele origin: germline. Affected: yes.
Comment: Reported in a patient with limb-girdle muscular dystrophy who also harbors the T4972I variant in the RYR1 gene in the published literature (Savarese et al., 2014); In silico analysis, which includes protein predictors and evolutionary conservation, supports a deleterious effect; In silico analysis, which includes splice predictors and evolutionary conservation, suggests this variant may impact gene splicing. In the absence of RNA/functional studies, the actual effect of this sequence change is unknown.; This variant is associated with the following publications: (PMID: 25214167)

Biesecker Lab/Clinical Genomics Section, National Institutes of Health
Classification: Uncertain significance for Malignant hyperthermia, susceptibility to, 1. Last evaluated: 2013-07-01. Review status: criteria provided, single submitter. Criteria: Gonsalves et al. 2013. Collection method: research. Allele origin: unknown. Observed: 1 variant allele. Study: ClinSeq.
Comment: The study set was not selected for affection status in relation to any myopathy. Pathogenicity categories were based on literature curation. See Pubmed ID: 24195946 for details.

Literature cited by the submitters: PubMed 25214167 (cited by 3 submitters).

NM_000540.3(RYR1):c.14901C>G (p.Asp4967Glu)

Gene: RYR1 (ryanodine receptor 1; plus strand). Cytogenetic location: 19q13.2.
Variant type: single nucleotide variant.
Coding change: c.14901C>G on transcript NM_000540.3 (MANE Select); coding-DNA position 14901, C replaced by G.
Protein change: p.Asp4967Glu; replaces aspartic acid 4967 with glutamic acid.
Molecular consequence: missense variant.
Genome position (GRCh38, 1-based): chr19:38,586,123, C>G. VCF-style: chr19-38586123-C-G. GRCh37 (hg19) VCF-style: chr19-39076763-C-G.
Other names: c.14886C>G, p.Asp4962Glu (NM_001042723.2); short protein forms D4967E, D4962E.
Identifiers: ClinVar variation 224406 (VCV000224406.16), dbSNP rs201712715, ClinGen allele CA061783.